The following is an entry in ClinVar:

NC_000017.10:g.(?_57697493)_(57761366_?)dup

Gene: CLTC (clathrin heavy chain; plus strand). Cytogenetic location: 17q23.1.
Variant type: Duplication.
Identifiers: ClinVar variation 3243143 (VCV003243143.1).

ClinVar aggregate classification (germline): Uncertain significance (1 of 4 stars; one submission).

Submission:

Labcorp Genetics (formerly Invitae), Labcorp
Classification: Uncertain significance. Last evaluated: 2023-10-05. Review status: criteria provided, single submitter. Criteria: Invitae Variant Classification Sherloc (09022015). Collection method: clinical testing. Allele origin: unknown.
Comment: This variant results in a copy number gain of the genomic region encompassing exon(s) 1-28 of the CLTC gene. This region includes the initiator codon of the gene. This copy number gain extends beyond the assayed region for this gene and therefore may encompass additional genes. As the precise location of this event is unknown, it may be in tandem or it may be located elsewhere in the genome. This variant has not been reported in the literature in individuals affected with CLTC-related conditions. Experimental studies and prediction algorithms are not available or were not evaluated, and the functional significance of this variant is currently unknown. In summary, the available evidence is currently insufficient to determine the role of this variant in disease. Therefore, it has been classified as a Variant of Uncertain Significance.